The following is an entry in ClinVar:

ClinVar aggregate classification (germline): Uncertain significance (1 of 4 stars; one submission).

Conditions:
Angelman syndrome (AS). Also called: HAPPY PUPPET SYNDROME. Identifiers: Orphanet 72, MedGen C0162635, MONDO:0007113, OMIM 105830. Disease mechanism: loss of function. Inheritance: imprinting disorder, AS is caused by disruption of maternally imprinted UBE3A located within the 15q11.2-q13 Angelman syndrome/Prader-Willi syndrome (AS/PWS) region..

Submission:

Labcorp Genetics (formerly Invitae), Labcorp
Classification: Uncertain significance for Angelman syndrome. Last evaluated: 2024-01-22. Review status: criteria provided, single submitter. Criteria: Invitae Variant Classification Sherloc (09022015). Collection method: clinical testing. Allele origin: germline.
Comment: This sequence change replaces alanine, which is neutral and non-polar, with threonine, which is neutral and polar, at codon 4 of the UBE3A protein (p.Ala4Thr). This variant is not present in population databases (gnomAD no frequency). This variant has not been reported in the literature in individuals affected with UBE3A-related conditions. ClinVar contains an entry for this variant (Variation ID: 2130351). Advanced modeling of protein sequence and biophysical properties (such as structural, functional, and spatial information, amino acid conservation, physicochemical variation, residue mobility, and thermodynamic stability) performed at Invitae indicates that this missense variant is expected to disrupt UBE3A protein function with a positive predictive value of 95%. In summary, the available evidence is currently insufficient to determine the role of this variant in disease. Therefore, it has been classified as a Variant of Uncertain Significance.

NM_130839.5(UBE3A):c.70G>A (p.Ala24Thr)

Genes: SNHG14 (small nucleolar RNA host gene 14; plus strand), UBE3A (ubiquitin protein ligase E3A; minus strand). Cytogenetic location: 15q11.2.
Variant type: single nucleotide variant.
Coding change: c.70G>A on transcript NM_130839.5 (MANE Select); coding-DNA position 70, G replaced by A.
Protein change: p.Ala24Thr; replaces alanine 24 with threonine.
Molecular consequence: missense variant. On other transcripts: 5 prime UTR variant (1), non-coding transcript variant (1).
Genome position (GRCh38, 1-based): chr15:25,375,756, C>T on the plus strand (G>A on the coding strand, the complement: UBE3A is on the minus strand). VCF-style: chr15-25375756-C-T. GRCh37 (hg19) VCF-style: chr15-25620903-C-T.
Other names: c.79G>A, p.Ala27Thr (NM_000462.5); c.70G>A, p.Ala24Thr (NM_001354505.1, NM_001354538.2, NM_001354545.2 and 1 more transcripts); c.10G>A, p.Ala4Thr (NM_001354506.2, NM_001354507.2, NM_001354508.2 and 18 more transcripts); c.-108G>A (NM_001354546.2); short protein forms A24T, A4T, A27T.
Identifiers: ClinVar variation 2130351 (VCV002130351.4), dbSNP rs2552193071, ClinGen allele CA391356710.